The following is an entry in ClinVar:

ClinVar aggregate classification (germline): Conflicting classifications of pathogenicity. Review status: criteria provided, conflicting classifications (1 of 4 stars). 3 submissions from 3 submitters: Uncertain significance (1); Benign (1); Likely benign (1). Last evaluated 2026-01-19.

Conditions:
Emery-Dreifuss muscular dystrophy 5, autosomal dominant (EDMD5). Also called: EMERY-DREIFUSS MUSCULAR DYSTROPHY 5. Identifiers: Orphanet 261, MedGen C2751805, MONDO:0013072, OMIM 612999.

Allele frequency attached by ClinVar (database versions not stated): ExAC 0.00017; TOPMed 0.00019; ESP Exome Variant Server 0.00023; gnomAD exomes 0.00024; gnomAD 0.00030; 1000 Genomes Project 30x 0.00031; 1000 Genomes Project 0.00040.
gnomAD v4.1: 320 of 1,614,186 alleles (0.02%); highest among the groups gnomAD compares: Admixed American, 0.045%; no homozygotes.

Submissions (3):

Labcorp Genetics (formerly Invitae), Labcorp
Classification: Likely benign for Emery-Dreifuss muscular dystrophy 5, autosomal dominant. Last evaluated: 2026-01-19. Review status: criteria provided, single submitter. Criteria: Invitae Variant Classification Sherloc (09022015). Collection method: clinical testing. Allele origin: germline.

Revvity Omics, Revvity
Classification: Uncertain significance for Emery-Dreifuss muscular dystrophy 5, autosomal dominant. Last evaluated: 2020-01-13. Review status: criteria provided, single submitter. Criteria: ACMG Guidelines, 2015. Collection method: clinical testing. Allele origin: germline.

Illumina Laboratory Services, Illumina
Classification: Benign for Emery-Dreifuss muscular dystrophy 5, autosomal dominant. Last evaluated: 2018-01-13. Review status: criteria provided, single submitter. Criteria: ICSL Variant Classification Criteria 13 December 2019. Collection method: clinical testing. Allele origin: germline.
Comment: This variant was observed in the ICSL laboratory as part of a predisposition screen in an ostensibly healthy population. It had not been previously curated by ICSL or reported in the Human Gene Mutation Database (HGMD: prior to June 1st, 2018), and was therefore a candidate for classification through an automated scoring system. Utilizing variant allele frequency, disease prevalence and penetrance estimates, and inheritance mode, an automated score was calculated to assess if this variant is too frequent to cause the disease. Based on the score and internal cut-off values, a variant classified as benign is not then subjected to further curation. The score for this variant resulted in a classification of benign for this disease.

NM_182914.3(SYNE2):c.15446G>A (p.Arg5149His)

Gene: SYNE2 (spectrin repeat containing nuclear envelope protein 2; plus strand). Cytogenetic location: 14q23.2.
Variant type: single nucleotide variant.
Coding change: c.15446G>A on transcript NM_182914.3 (MANE Select); coding-DNA position 15446, G replaced by A.
Protein change: p.Arg5149His; replaces arginine 5149 with histidine.
Molecular consequence: missense variant.
Genome position (GRCh38, 1-based): chr14:64,143,911, G>A. VCF-style: chr14-64143911-G-A. GRCh37 (hg19) VCF-style: chr14-64610629-G-A.
Other names: c.15446G>A, p.Arg5149His (NM_015180.6); short protein forms R5149H.
Identifiers: ClinVar variation 860889 (VCV000860889.13), dbSNP rs142206385, ClinGen allele CA7223084.